The following is an entry in ClinVar:

ClinVar aggregate classification (germline): Likely pathogenic (1 of 4 stars; one submission).

Conditions:
Emery-Dreifuss muscular dystrophy 4, autosomal dominant (EDMD4). Also called: EMERY-DREIFUSS MUSCULAR DYSTROPHY 4 WITH VARIABLE FEATURES. Identifiers: Orphanet 261, MedGen C2751807, MONDO:0013071, OMIM 612998.
Autosomal recessive ataxia, Beauce type. Also called: SYNE1 Deficiency; Spinocerebellar ataxia, autosomal recessive 8; ATAXIA, RECESSIVE, OF BEAUCE; SYNE1-Related Autosomal Recessive Cerebellar Ataxia. Identifiers: Orphanet 88644, MedGen C1853116, MONDO:0012549, OMIM 610743.

Allele frequency attached by ClinVar (database versions not stated): TOPMed 0.00001.

Submission:

Labcorp Genetics (formerly Invitae), Labcorp
Classification: Likely pathogenic for Emery-Dreifuss muscular dystrophy 4, autosomal dominant; Autosomal recessive ataxia, Beauce type. Last evaluated: 2022-02-13. Review status: criteria provided, single submitter. Criteria: Invitae Variant Classification Sherloc (09022015). Collection method: clinical testing. Allele origin: germline.
Comment: This sequence change affects a donor splice site in intron 87 of the SYNE1 gene. It is expected to disrupt RNA splicing. Variants that disrupt the donor or acceptor splice site typically lead to a loss of protein function (PMID: 16199547), and loss-of-function variants in SYNE1 are known to be pathogenic (PMID: 19542096, 24319099, 27086870). This variant is not present in population databases (gnomAD no frequency). This variant has not been reported in the literature in individuals affected with SYNE1-related conditions. Algorithms developed to predict the effect of sequence changes on RNA splicing suggest that this variant may disrupt the consensus splice site. In summary, the currently available evidence indicates that the variant is pathogenic, but additional data are needed to prove that conclusively. Therefore, this variant has been classified as Likely Pathogenic.

Literature cited by the submitters: PubMed 16199547; PubMed 19542096; PubMed 24319099; PubMed 27086870.

NM_182961.4(SYNE1):c.16896+1G>T

Genes: SYNE1 (spectrin repeat containing nuclear envelope protein 1; minus strand), LOC126859837 (BRD4-independent group 4 enhancer GRCh37_chr6:152630775-152631974; plus strand). Cytogenetic location: 6q25.2.
Variant type: single nucleotide variant.
Coding change: c.16896+1G>T on transcript NM_182961.4 (MANE Select); the canonical splice donor site of the intron after coding-DNA position 16896, G replaced by T.
Molecular consequence: splice donor variant.
Genome position (GRCh38, 1-based): chr6:152,310,687, C>A on the plus strand (G>T on the coding strand, the complement: SYNE1 is on the minus strand). VCF-style: chr6-152310687-C-A. GRCh37 (hg19) VCF-style: chr6-152631822-C-A.
Other names: c.16683+1G>T (NM_033071.5).
Identifiers: ClinVar variation 2097035 (VCV002097035.4), dbSNP rs1422724926, ClinGen allele CA366107686.